The following is an entry in ClinVar:

ClinVar aggregate classification (germline): Likely benign. Review status: criteria provided, multiple submitters, no conflicts (2 of 4 stars). 2 submissions from 2 submitters: Likely benign (2). Last evaluated 2018-06-14.

Allele frequency attached by ClinVar (database versions not stated): gnomAD 0.01885 and 0.02104; TOPMed 0.02638; 1000 Genomes Project 0.03574; 1000 Genomes Project 30x 0.03779.
gnomAD v4.1: 24,469 of 1,219,560 alleles (2%); highest among the groups gnomAD compares: Admixed American, 15%; 1,051 homozygotes.

Submissions (2):

GeneDx
Classification: Likely benign. Last evaluated: 2018-06-14. Review status: criteria provided, single submitter. Criteria: GeneDx Variant Classification (06012015). Collection method: clinical testing. Allele origin: germline. Affected: yes.
Comment: This variant is considered likely benign or benign based on one or more of the following criteria: it is a conservative change, it occurs at a poorly conserved position in the protein, it is predicted to be benign by multiple in silico algorithms, and/or has population frequency not consistent with disease.

Breakthrough Genomics
Classification: Likely benign. Review status: criteria provided, single submitter. Criteria: ACMG Guidelines, 2015. Collection method: not provided. Allele origin: germline. Inheritance: Autosomal recessive inheritance. Affected: yes.

NM_020433.5(JPH2):c.380-105G>A

Gene: JPH2 (junctophilin 2; minus strand). Cytogenetic location: 20q13.12.
Variant type: single nucleotide variant.
Coding change: c.380-105G>A on transcript NM_020433.5 (MANE Select); 105 bases into the intron before coding-DNA position 380, G replaced by A.
Molecular consequence: intron variant.
Genome position (GRCh38, 1-based): chr20:44,160,512, C>T on the plus strand (G>A on the coding strand, the complement: JPH2 is on the minus strand). VCF-style: chr20-44160512-C-T. GRCh37 (hg19) VCF-style: chr20-42789152-C-T.
Identifiers: ClinVar variation 671469 (VCV000671469.2), dbSNP rs12480648, ClinGen allele CA314630071.